The following is an entry in ClinVar:

ClinVar aggregate classification (germline): Uncertain significance (1 of 4 stars; one submission).

Conditions:
Charcot-Marie-Tooth disease axonal type 2O. Also called: Charcot-Marie-Tooth disease, axonal, type 20; CHARCOT-MARIE-TOOTH NEUROPATHY, AXONAL, TYPE 2O; CHARCOT-MARIE-TOOTH DISEASE, AXONAL, AUTOSOMAL DOMINANT, TYPE 2O; Charcot-Marie-Tooth Neuropathy Type 2O. Identifiers: Orphanet 284232, MedGen C3280220, MONDO:0013644, OMIM 614228.

Submission:

Labcorp Genetics (formerly Invitae), Labcorp
Classification: Uncertain significance for Charcot-Marie-Tooth disease axonal type 2O. Last evaluated: 2024-03-09. Review status: criteria provided, single submitter. Criteria: Invitae Variant Classification Sherloc (09022015). Collection method: clinical testing. Allele origin: germline.
Comment: This sequence change replaces threonine, which is neutral and polar, with isoleucine, which is neutral and non-polar, at codon 3492 of the DYNC1H1 protein (p.Thr3492Ile). This variant is not present in population databases (gnomAD no frequency). This variant has not been reported in the literature in individuals affected with DYNC1H1-related conditions. Advanced modeling of protein sequence and biophysical properties (such as structural, functional, and spatial information, amino acid conservation, physicochemical variation, residue mobility, and thermodynamic stability) performed at Invitae indicates that this missense variant is expected to disrupt DYNC1H1 protein function with a positive predictive value of 95%. In summary, the available evidence is currently insufficient to determine the role of this variant in disease. Therefore, it has been classified as a Variant of Uncertain Significance.

NM_001376.5(DYNC1H1):c.10475C>T (p.Thr3492Ile)

Gene: DYNC1H1 (dynein cytoplasmic 1 heavy chain 1; plus strand). Cytogenetic location: 14q32.31.
Variant type: single nucleotide variant.
Coding change: c.10475C>T on transcript NM_001376.5 (MANE Select); coding-DNA position 10475, C replaced by T.
Protein change: p.Thr3492Ile; replaces threonine 3492 with isoleucine.
Molecular consequence: missense variant.
Genome position (GRCh38, 1-based): chr14:102,034,037, C>T. VCF-style: chr14-102034037-C-T. GRCh37 (hg19) VCF-style: chr14-102500374-C-T.
Other names: short protein forms T3492I.
Identifiers: ClinVar variation 3627127 (VCV003627127.2).